The following is an entry in ClinVar:

ClinVar aggregate classification (germline): Benign. Review status: criteria provided, multiple submitters, no conflicts (2 of 4 stars). 4 submissions from 4 submitters: Benign (3). 1 of the submissions does not count toward it. Last evaluated 2026-01-08.

Conditions:
ANTXR1-related disorder. Also called: ANTXR1-related condition.

Allele frequency attached by ClinVar (database versions not stated): ESP Exome Variant Server 0.00162; TOPMed 0.00860; gnomAD 0.00888; gnomAD exomes 0.01048 and 0.02447; 1000 Genomes Project 30x 0.03373; 1000 Genomes Project 0.03554; ExAC 0.03657.
gnomAD v4.1: 16,904 of 1,588,742 alleles (1.1%); highest among the groups gnomAD compares: East Asian, 13%; 650 homozygotes.

Submissions (4):

Labcorp Genetics (formerly Invitae), Labcorp
Classification: Benign. Last evaluated: 2026-01-08. Review status: criteria provided, single submitter. Criteria: Invitae Variant Classification Sherloc (09022015). Collection method: clinical testing. Allele origin: germline.

GeneDx
Classification: Benign. Last evaluated: 2021-05-05. Review status: criteria provided, single submitter. Criteria: GeneDx Variant Classification Process June 2021. Collection method: clinical testing. Allele origin: germline. Affected: yes.

Breakthrough Genomics
Classification: Benign. Review status: criteria provided, single submitter. Criteria: ACMG Guidelines, 2015. Collection method: not provided. Allele origin: germline. Inheritance: Autosomal recessive inheritance. Affected: yes.

PreventionGenetics, part of Exact Sciences
Classification: Benign for ANTXR1-related condition. Last evaluated: 2020-02-20. Review status: no assertion criteria provided. Collection method: clinical testing. Allele origin: germline. Not counted in ClinVar's aggregate classification.
Comment: This variant is classified as benign based on ACMG/AMP sequence variant interpretation guidelines (Richards et al. 2015 PMID: 25741868, with internal and published modifications).

NM_032208.3(ANTXR1):c.20G>A (p.Arg7Lys)

Gene: ANTXR1 (ANTXR cell adhesion molecule 1; plus strand). Cytogenetic location: 2p13.3.
Variant type: single nucleotide variant.
Coding change: c.20G>A on transcript NM_032208.3 (MANE Select); coding-DNA position 20, G replaced by A.
Protein change: p.Arg7Lys; replaces arginine 7 with lysine.
Molecular consequence: missense variant.
Genome position (GRCh38, 1-based): chr2:69,013,519, G>A. VCF-style: chr2-69013519-G-A. GRCh37 (hg19) VCF-style: chr2-69240651-G-A.
Other names: c.20G>A, p.Arg7Lys (NM_018153.3, NM_053034.2); short protein forms R7K.
Identifiers: ClinVar variation 1180103 (VCV001180103.10), dbSNP rs28365986, ClinGen allele CA1692734.
Genomic context (GRCh38, chr2:69,013,519, plus strand): 5'-CGTGGGAAGGAGCGGACCCTGCTCTCCCCGGGCTGCGGGCCATGGCCACGGCGGAGCGGA[G>A]AGCCCTCGGCATCGGCTTCCAGTGGCTCTCTTTGGCCACTCTGGTGCTCATCTGCGCCGG-3'
Protein context (NP_115584.1, residues 1-17): MATAER[Arg7Lys]ALGIGFQWLS